The following is an entry in ClinVar:

NM_000465.4(BARD1):c.428T>C (p.Ile143Thr)

Gene: BARD1 (BRCA1 associated RING domain 1; minus strand). Cytogenetic location: 2q35.
Variant type: single nucleotide variant.
Coding change: c.428T>C on transcript NM_000465.4 (MANE Select); coding-DNA position 428, T replaced by C.
Protein change: p.Ile143Thr; replaces isoleucine 143 with threonine.
Molecular consequence: missense variant. On other transcripts: non-coding transcript variant (2), intron variant (3).
Genome position (GRCh38, 1-based): chr2:214,781,446, A>G on the plus strand (T>C on the coding strand, the complement: BARD1 is on the minus strand). VCF-style: chr2-214781446-A-G. GRCh37 (hg19) VCF-style: chr2-215646170-A-G.
Other names: c.428T>C (NM_000465.2); c.371T>C, p.Ile124Thr (NM_001282543.2); c.158+27966T>C (NM_001282548.2); c.215+15615T>C (NM_001282545.2); c.364+10851T>C (NM_001282549.2); short protein forms I143T, I124T.
Identifiers: ClinVar variation 2854987 (VCV002854987.4), dbSNP rs1296480475, ClinGen allele CA350457833.

ClinVar aggregate classification (germline): Uncertain significance. Review status: criteria provided, multiple submitters, no conflicts (2 of 4 stars). 2 submissions from 2 submitters: Uncertain significance (2). Last evaluated 2024-12-11.

Conditions:
Hereditary cancer-predisposing syndrome. Also called: Neoplastic Syndromes, Hereditary; Hereditary neoplastic syndrome; Tumor predisposition; Hereditary Cancer Syndrome. Identifiers: Orphanet 140162, MedGen C0027672, MeSH D009386, MONDO:0015356.
Familial cancer of breast. Also called: Hereditary breast cancer; BREAST CANCER, FAMILIAL; hereditary breast carcinoma. Identifiers: Orphanet 227535, MedGen C0346153, MONDO:0016419, OMIM 114480. Disease mechanism: loss of function.

Submissions (2):

Ambry Genetics
Classification: Uncertain significance for Hereditary cancer-predisposing syndrome. Last evaluated: 2024-12-11. Review status: criteria provided, single submitter. Criteria: Ambry Variant Classification Scheme 2023. Collection method: clinical testing. Allele origin: germline.
Comment: The p.I143T variant (also known as c.428T>C), located in coding exon 4 of the BARD1 gene, results from a T to C substitution at nucleotide position 428. The isoleucine at codon 143 is replaced by threonine, an amino acid with similar properties. This amino acid position is highly conserved in available vertebrate species. In addition, this alteration is predicted to be deleterious by in silico analysis. Based on the available evidence, the clinical significance of this variant remains unclear.

Labcorp Genetics (formerly Invitae), Labcorp
Classification: Uncertain significance for Familial cancer of breast. Last evaluated: 2023-04-11. Review status: criteria provided, single submitter. Criteria: Invitae Variant Classification Sherloc (09022015). Collection method: clinical testing. Allele origin: germline.
Comment: An algorithm developed to predict the effect of missense changes on protein structure and function (PolyPhen-2) suggests that this variant is likely to be disruptive. This variant has not been reported in the literature in individuals affected with BARD1-related conditions. This variant is present in population databases (no rsID available, gnomAD 0.006%). This sequence change replaces isoleucine, which is neutral and non-polar, with threonine, which is neutral and polar, at codon 143 of the BARD1 protein (p.Ile143Thr). In summary, the available evidence is currently insufficient to determine the role of this variant in disease. Therefore, it has been classified as a Variant of Uncertain Significance.